The following is an entry in ClinVar:

ClinVar aggregate classification (germline): Benign/Likely benign. Review status: criteria provided, multiple submitters, no conflicts (2 of 4 stars). 12 submissions from 12 submitters: Benign (3); Likely benign (6). 3 of the submissions do not count toward it. Last evaluated 2026-09-01.

Conditions:
Inborn genetic diseases. Identifiers: MedGen C0950123, MeSH D030342.

Allele frequency attached by ClinVar (database versions not stated): 1000 Genomes Project 30x 0.00016; 1000 Genomes Project 0.00020; ExAC 0.00081; gnomAD exomes 0.00085 and 0.00125; gnomAD 0.00090 and 0.00093; ESP Exome Variant Server 0.00100; TOPMed 0.00104.
gnomAD v4.1: 1,435 of 1,613,902 alleles (0.089%); highest among the groups gnomAD compares: Middle Eastern, 1.4%; 7 homozygotes.

Submissions (12):

CeGaT Center for Human Genetics Tuebingen
Classification: Likely benign. Last evaluated: 2026-09-01. Review status: criteria provided, single submitter. Criteria: CeGaT Center For Human Genetics Tuebingen Variant Classification Criteria Version 2. Collection method: clinical testing. Allele origin: germline. Affected: yes. Observed: 17 variant alleles.
Comment: SRCAP: BS1

Women's Health and Genetics/Laboratory Corporation of America, LabCorp
Classification: Likely benign. Last evaluated: 2026-05-11. Review status: criteria provided, single submitter. Criteria: LabCorp Variant Classification Summary - May 2015. Collection method: clinical testing. Allele origin: germline.

Labcorp Genetics (formerly Invitae), Labcorp
Classification: Likely benign. Last evaluated: 2026-01-18. Review status: criteria provided, single submitter. Criteria: Invitae Variant Classification Sherloc (09022015). Collection method: clinical testing. Allele origin: germline.

Blueprint Genetics
Classification: Likely benign. Last evaluated: 2024-11-12. Review status: criteria provided, single submitter. Criteria: ACMG Guidelines, 2015. Collection method: clinical testing. Allele origin: germline.

Ambry Genetics
Classification: Benign for Inborn genetic diseases. Last evaluated: 2022-03-10. Review status: criteria provided, single submitter. Criteria: Ambry Variant Classification Scheme 2023. Collection method: clinical testing. Allele origin: germline.

Eurofins Ntd Llc (ga)
Classification: Benign. Last evaluated: 2018-05-15. Review status: criteria provided, single submitter. Criteria: EGL ClinVar v180209 classification definitions. Collection method: clinical testing. Allele origin: germline. Observed: 1 variant allele, 1 heterozygote.

Center for Pediatric Genomic Medicine, Children's Mercy Hospital and Clinics
Classification: Likely benign. Last evaluated: 2017-01-10. Review status: criteria provided, single submitter. Criteria: ACMG Guidelines, 2015. Collection method: clinical testing. Allele origin: germline.
ClinVar note: Converted during submission from Likely Benign to Likely benign.

Genomic Diagnostic Laboratory, Division of Genomic Diagnostics, Children's Hospital of Philadelphia
Classification: Benign. Last evaluated: 2015-07-17. Review status: criteria provided, single submitter. Criteria: DGD Variant Analysis Guidelines. Collection method: clinical testing. Allele origin: unknown.

Breakthrough Genomics
Classification: Likely benign. Review status: criteria provided, single submitter. Criteria: ACMG Guidelines, 2015. Collection method: not provided. Allele origin: germline. Inheritance: Autosomal dominant inheritance. Affected: yes.

Clinical Genetics DNA and cytogenetics Diagnostics Lab, Erasmus MC, Erasmus Medical Center
Classification: Likely benign. Review status: no assertion criteria provided. Collection method: clinical testing. Allele origin: germline. Affected: yes. Study: VKGL Data-share Consensus. Not counted in ClinVar's aggregate classification.

Diagnostic Laboratory, Department of Genetics, University Medical Center Groningen
Classification: Likely benign. Review status: no assertion criteria provided. Collection method: clinical testing. Allele origin: germline. Affected: yes. Study: VKGL Data-share Consensus. Not counted in ClinVar's aggregate classification.

Laboratory of Diagnostic Genome Analysis, Leiden University Medical Center (LUMC)
Classification: Likely benign. Review status: no assertion criteria provided. Collection method: clinical testing. Allele origin: germline. Affected: yes. Study: VKGL Data-share Consensus. Not counted in ClinVar's aggregate classification.

NM_006662.3(SRCAP):c.1559G>A (p.Ser520Asn)

Gene: SRCAP (Snf2 related CREBBP activator protein; plus strand). Cytogenetic location: 16p11.2.
Variant type: single nucleotide variant.
Coding change: c.1559G>A on transcript NM_006662.3 (MANE Select); coding-DNA position 1559, G replaced by A.
Protein change: p.Ser520Asn; replaces serine 520 with asparagine.
Molecular consequence: missense variant.
Genome position (GRCh38, 1-based): chr16:30,711,901, G>A. VCF-style: chr16-30711901-G-A. GRCh37 (hg19) VCF-style: chr16-30723222-G-A.
Other names: short protein forms S520N.
Identifiers: ClinVar variation 218688 (VCV000218688.48), dbSNP rs139339184, ClinGen allele CA249310.